The following is an entry in ClinVar:

ClinVar aggregate classification (germline): Uncertain significance (1 of 4 stars; one submission).

Conditions:
Neuronal ceroid lipofuscinosis. Also called: Neuronal Ceroid Lipofuscinoses. Identifiers: Orphanet 216, Orphanet 79263, MedGen C0027877, MONDO:0016295. Disease mechanism: loss of function.

Submission:

Labcorp Genetics (formerly Invitae), Labcorp
Classification: Uncertain significance for Neuronal ceroid lipofuscinosis. Last evaluated: 2022-05-15. Review status: criteria provided, single submitter. Criteria: Invitae Variant Classification Sherloc (09022015). Collection method: clinical testing. Allele origin: germline.
Comment: In summary, the available evidence is currently insufficient to determine the role of this variant in disease. Therefore, it has been classified as a Variant of Uncertain Significance. Algorithms developed to predict the effect of sequence changes on RNA splicing suggest that this variant may disrupt the consensus splice site. Algorithms developed to predict the effect of missense changes on protein structure and function output the following: SIFT: "Deleterious"; PolyPhen-2: "Possibly Damaging"; Align-GVGD: "Class C0". The alanine amino acid residue is found in multiple mammalian species, which suggests that this missense change does not adversely affect protein function. This variant has not been reported in the literature in individuals affected with CLN5-related conditions. This variant is not present in population databases (gnomAD no frequency). This sequence change replaces glutamic acid, which is acidic and polar, with alanine, which is neutral and non-polar, at codon 53 of the CLN5 protein (p.Glu53Ala).

NM_006493.4(CLN5):c.11A>C (p.Glu4Ala)

Gene: CLN5 (CLN5 lysosomal BMP synthase; plus strand). Cytogenetic location: 13q22.3.
Variant type: single nucleotide variant.
Coding change: c.11A>C on transcript NM_006493.4 (MANE Select); coding-DNA position 11, A replaced by C.
Protein change: p.Glu4Ala; replaces glutamic acid 4 with alanine.
Molecular consequence: missense variant.
Genome position (GRCh38, 1-based): chr13:76,992,109, A>C. VCF-style: chr13-76992109-A-C. GRCh37 (hg19) VCF-style: chr13-77566244-A-C.
Other names: c.11A>C, p.Glu4Ala (NM_001366624.2); short protein forms E4A, E53A.
Identifiers: ClinVar variation 1994563 (VCV001994563.4), dbSNP rs2501123690, ClinGen allele CA388306225.